The following is an entry in ClinVar:

NM_006914.4(RORB):c.145C>A (p.Gln49Lys)

Gene: RORB (RAR related orphan receptor B; plus strand). Cytogenetic location: 9q21.13.
Variant type: single nucleotide variant.
Coding change: c.145C>A on transcript NM_006914.4 (MANE Select); coding-DNA position 145, C replaced by A.
Protein change: p.Gln49Lys; replaces glutamine 49 with lysine.
Molecular consequence: missense variant.
Genome position (GRCh38, 1-based): chr9:74,634,682, C>A. VCF-style: chr9-74634682-C-A. GRCh37 (hg19) VCF-style: chr9-77249598-C-A.
Other names: c.178C>A, p.Gln60Lys (NM_001365023.1); short protein forms Q60K, Q49K.
Identifiers: ClinVar variation 1971750 (VCV001971750.6), dbSNP rs1823673881, ClinGen allele CA373772196.

ClinVar aggregate classification (germline): Uncertain significance. Review status: criteria provided, multiple submitters, no conflicts (2 of 4 stars). 2 submissions from 2 submitters: Uncertain significance (2). Last evaluated 2025-12-08.

Allele frequency attached by ClinVar (database versions not stated): gnomAD exomes below 0.00001; TOPMed below 0.00001.
gnomAD v4.1: 1 of 1,613,548 alleles (0.000062%); highest among the groups gnomAD compares: Non-Finnish European, 0.000085%; no homozygotes.

Submissions (2):

Labcorp Genetics (formerly Invitae), Labcorp
Classification: Uncertain significance. Last evaluated: 2025-12-08. Review status: criteria provided, single submitter. Criteria: Invitae Variant Classification Sherloc (09022015). Collection method: clinical testing. Allele origin: germline.
Comment: This sequence change replaces glutamine, which is neutral and polar, with lysine, which is basic and polar, at codon 49 of the RORB protein (p.Gln49Lys). This variant is not present in population databases (gnomAD no frequency). This variant has not been reported in the literature in individuals affected with RORB-related conditions. ClinVar contains an entry for this variant (Variation ID: 1971750). An algorithm developed to predict the effect of missense changes on protein structure and function (PolyPhen-2) suggests that this variant is likely to be disruptive. In summary, the available evidence is currently insufficient to determine the role of this variant in disease. Therefore, it has been classified as a Variant of Uncertain Significance.

Blueprint Genetics
Classification: Uncertain significance. Last evaluated: 2024-08-09. Review status: criteria provided, single submitter. Criteria: ACMG Guidelines, 2015. Collection method: clinical testing. Allele origin: germline.